The following is an entry in ClinVar:

ClinVar aggregate classification (germline): Uncertain significance (1 of 4 stars; one submission).

Conditions:
Marfan syndrome (MFS). Also called: MARFAN SYNDROME, TYPE I; Marfan syndrome type 1; Marfan's syndrome; Marfan syndrome, classic; FBN1-Related Marfan Syndrome. Identifiers: Orphanet 284963, Orphanet 558, MedGen C0024796, MONDO:0007947, OMIM 154700.

Submission:

All of Us Research Program, National Institutes of Health
Classification: Uncertain significance for Marfan syndrome. Last evaluated: 2023-09-04. Review status: criteria provided, single submitter. Criteria: ACMG Guidelines, 2015. Collection method: clinical testing. Allele origin: germline. Inheritance: Autosomal dominant inheritance. Observed: 1 variant allele, 1 heterozygote.
Comment: This missense variant replaces glycine with alanine at codon 989 of the FBN1 protein. Computational prediction suggests that this variant may have deleterious impact on protein structure and function (internally defined REVEL score threshold >= 0.7, PMID: 27666373). To our knowledge, functional studies have not been reported for this variant. This variant has not been reported in individuals affected with FBN1-related disorders in the literature. This variant has not been identified in the general population by the Genome Aggregation Database (gnomAD). The available evidence is insufficient to determine the role of this variant in disease conclusively. Therefore, this variant is classified as a Variant of Uncertain Significance.

This study involves interpretation of variants in research participants for the purpose of population health screening. Participant phenotype was not available at the time of variant classification. Additional details can be found in publication PMID: 35346344, PMCID: PMC8962531

NM_000138.5(FBN1):c.2966G>C (p.Gly989Ala)

Gene: FBN1 (fibrillin 1; minus strand). Cytogenetic location: 15q21.1.
Variant type: single nucleotide variant.
Coding change: c.2966G>C on transcript NM_000138.5 (MANE Select); coding-DNA position 2966, G replaced by C.
Protein change: p.Gly989Ala; replaces glycine 989 with alanine.
Molecular consequence: missense variant.
Genome position (GRCh38, 1-based): chr15:48,489,967, C>G on the plus strand (G>C on the coding strand, the complement: FBN1 is on the minus strand). VCF-style: chr15-48489967-C-G. GRCh37 (hg19) VCF-style: chr15-48782164-C-G.
Other names: c.2966G>C, p.Gly989Ala (NM_001406716.1); short protein forms G989A.
Identifiers: ClinVar variation 3073335 (VCV003073335.1), dbSNP rs2043543494, ClinGen allele CA392329396.
Genomic context (GRCh38, chr15:48,489,967, plus strand): 5'-GGACACAGCTCCTCGTACTCAGGAGTATTTCTCATGGGACACTCCTCGCATTCCTCAGTA[C>G]CCCAGGCTGCCCCGACGGAGCAGCAGCAGGCGTCCATGCGGTGGCGGCCAGCAATAGGCA-3'
Protein context (NP_000129.3, residues 979-999): ACCCSVGAAW[Gly989Ala]TEECEECPMR